The following is an entry in ClinVar:

ClinVar aggregate classification (germline): Uncertain significance (1 of 4 stars; one submission).

Allele frequency attached by ClinVar (database versions not stated): TOPMed below 0.00001; gnomAD 0.00001; gnomAD exomes 0.00001.
gnomAD v4.1: 18 of 1,611,130 alleles (0.0011%); highest among the groups gnomAD compares: East Asian, 0.0022%; no homozygotes.

Submission:

Labcorp Genetics (formerly Invitae), Labcorp
Classification: Uncertain significance. Last evaluated: 2022-07-13. Review status: criteria provided, single submitter. Criteria: Invitae Variant Classification Sherloc (09022015). Collection method: clinical testing. Allele origin: germline.
Comment: In summary, the available evidence is currently insufficient to determine the role of this variant in disease. Therefore, it has been classified as a Variant of Uncertain Significance. Algorithms developed to predict the effect of missense changes on protein structure and function are either unavailable or do not agree on the potential impact of this missense change (SIFT: "Tolerated"; PolyPhen-2: "Probably Damaging"; Align-GVGD: "Class C0"). This variant has not been reported in the literature in individuals affected with KIAA0556-related conditions. This variant is present in population databases (no rsID available, gnomAD no frequency). This sequence change replaces arginine, which is basic and polar, with histidine, which is basic and polar, at codon 1324 of the KIAA0556 protein (p.Arg1324His).

NM_015202.5(KATNIP):c.3971G>A (p.Arg1324His)

Gene: KATNIP (katanin interacting protein; plus strand). Cytogenetic location: 16p12.1.
Variant type: single nucleotide variant.
Coding change: c.3971G>A on transcript NM_015202.5 (MANE Select); coding-DNA position 3971, G replaced by A.
Protein change: p.Arg1324His; replaces arginine 1324 with histidine.
Molecular consequence: missense variant.
Genome position (GRCh38, 1-based): chr16:27,766,470, G>A. VCF-style: chr16-27766470-G-A. GRCh37 (hg19) VCF-style: chr16-27777791-G-A.
Other names: short protein forms R1324H.
Identifiers: ClinVar variation 1899666 (VCV001899666.5), dbSNP rs1415846539, ClinGen allele CA395330116.